The following is an entry in ClinVar:

NM_005359.6(SMAD4):c.327A>G (p.Leu109=)

Gene: SMAD4 (SMAD family member 4; plus strand). Cytogenetic location: 18q21.2.
Variant type: single nucleotide variant.
Coding change: c.327A>G on transcript NM_005359.6 (MANE Select); coding-DNA position 327, A replaced by G.
Protein change: p.Leu109=; no amino-acid change (leucine 109 retained).
Molecular consequence: synonymous variant.
Genome position (GRCh38, 1-based): chr18:51,048,763, A>G. VCF-style: chr18-51048763-A-G. GRCh37 (hg19) VCF-style: chr18-48575133-A-G.
Identifiers: ClinVar variation 514818 (VCV000514818.3), dbSNP rs1555685165, ClinGen allele CA503873584.

ClinVar aggregate classification (germline): Benign/Likely benign. Review status: criteria provided, multiple submitters, no conflicts (2 of 4 stars). 3 submissions from 3 submitters: Benign (1); Likely benign (2). Last evaluated 2025-03-18.

Conditions:
Hereditary cancer-predisposing syndrome. Also called: Hereditary neoplastic syndrome; Tumor predisposition; Neoplastic Syndromes, Hereditary; Hereditary Cancer Syndrome. Identifiers: Orphanet 140162, MedGen C0027672, MeSH D009386, MONDO:0015356.
Familial thoracic aortic aneurysm and aortic dissection (TAAD). Also called: Thoracic aortic aneurysms and dissections. Identifiers: Orphanet 91387, MedGen C4707243, MONDO:0019625.
Juvenile polyposis/hereditary hemorrhagic telangiectasia syndrome (JPHT). Also called: Juvenile Polyposis Syndrome / Hereditary Hemorrhagic Telangiectasia (JPS/HHT); JP/HHT SYNDROME; JUVENILE POLYPOSIS WITH HEREDITARY HEMORRHAGIC TELANGIECTASIA; POLYPOSIS, GENERALIZED JUVENILE, WITH PULMONARY ARTERIOVENOUS MALFORMATION; TELANGIECTASIA, HEREDITARY HEMORRHAGIC, WITH JUVENILE POLYPOSIS COLI. Identifiers: Orphanet 2929, MedGen C1832942, MONDO:0008278, OMIM 175050.

Submissions (3):

Myriad Genetics, Inc.
Classification: Benign for Juvenile polyposis/hereditary hemorrhagic telangiectasia syndrome. Last evaluated: 2025-03-18. Review status: criteria provided, single submitter. Criteria: Myriad Autosomal Dominant, Autosomal Recessive and X-Linked Classification Criteria (2023). Collection method: clinical testing. Allele origin: unknown.
Comment: This variant is considered benign. This variant is a silent/synonymous amino acid change and it is not expected to impact splicing.

Ambry Genetics
Classification: Likely benign for Hereditary cancer-predisposing syndrome; Familial thoracic aortic aneurysm and aortic dissection. Last evaluated: 2024-11-01. Review status: criteria provided, single submitter. Criteria: Ambry Variant Classification Scheme 2023. Collection method: clinical testing. Allele origin: germline.

GeneDx
Classification: Likely benign. Last evaluated: 2018-01-11. Review status: criteria provided, single submitter. Criteria: GeneDx Variant Classification (06012015). Collection method: clinical testing. Allele origin: germline. Affected: yes.
Comment: This variant is considered likely benign or benign based on one or more of the following criteria: it is a conservative change, it occurs at a poorly conserved position in the protein, it is predicted to be benign by multiple in silico algorithms, and/or has population frequency not consistent with disease.